The following is an entry in ClinVar:

NM_058216.3(RAD51C):c.971C>T (p.Ala324Val)

Gene: RAD51C (RAD51 paralog C; plus strand). Cytogenetic location: 17q22.
Variant type: single nucleotide variant.
Coding change: c.971C>T on transcript NM_058216.3 (MANE Select); coding-DNA position 971, C replaced by T.
Protein change: p.Ala324Val; replaces alanine 324 with valine.
Molecular consequence: missense variant. On other transcripts: non-coding transcript variant (1).
Genome position (GRCh38, 1-based): chr17:58,732,489, C>T. VCF-style: chr17-58732489-C-T. GRCh37 (hg19) VCF-style: chr17-56809850-C-T.
Other names: short protein forms A324V.
Identifiers: ClinVar variation 1347120 (VCV001347120.8), dbSNP rs2144044470, ClinGen allele CA400364855.

ClinVar aggregate classification (germline): Uncertain significance (1 of 4 stars; one submission).

Conditions:
Fanconi anemia complementation group O. Also called: RAD51C-Related Fanconi Anemia. Identifiers: Orphanet 84, MedGen C3150653, MONDO:0013248, OMIM 613390.

Submission:

Labcorp Genetics (formerly Invitae), Labcorp
Classification: Uncertain significance for Fanconi anemia complementation group O. Last evaluated: 2021-04-21. Review status: criteria provided, single submitter. Criteria: Invitae Variant Classification Sherloc (09022015). Collection method: clinical testing. Allele origin: germline.
Comment: In summary, the available evidence is currently insufficient to determine the role of this variant in disease. Therefore, it has been classified as a Variant of Uncertain Significance. Algorithms developed to predict the effect of sequence changes on RNA splicing suggest that this variant may create or strengthen a splice site, but this prediction has not been confirmed by published transcriptional studies. Advanced modeling of protein sequence and biophysical properties (such as structural, functional, and spatial information, amino acid conservation, physicochemical variation, residue mobility, and thermodynamic stability) performed at Invitae indicates that this missense variant is expected to disrupt RAD51C protein function. This variant has not been reported in the literature in individuals with RAD51C-related conditions. This variant is not present in population databases (ExAC no frequency). This sequence change replaces alanine with valine at codon 324 of the RAD51C protein (p.Ala324Val). The alanine residue is moderately conserved and there is a small physicochemical difference between alanine and valine.